The following is an entry in ClinVar:

ClinVar aggregate classification (germline): Pathogenic. Review status: criteria provided, multiple submitters, no conflicts (2 of 4 stars). 2 submissions from 2 submitters: Pathogenic (2). Last evaluated 2023-05-12.

Conditions:
Familial adenomatous polyposis 1 (FAP1). Also called: FAMILIAL ADENOMATOUS POLYPOSIS 1, ATTENUATED; POLYPOSIS, ADENOMATOUS INTESTINAL. Identifiers: MedGen C2713442, MONDO:0021056, OMIM 175100. Disease mechanism: loss of function.

Submissions (2):

Myriad Genetics, Inc.
Classification: Pathogenic for Familial adenomatous polyposis 1. Last evaluated: 2023-05-12. Review status: criteria provided, single submitter. Criteria: Myriad Autosomal Dominant, Autosomal Recessive and X-Linked Classification Criteria (2023). Collection method: clinical testing. Allele origin: unknown.
Comment: This variant is considered pathogenic. This variant creates a termination codon and is predicted to result in premature protein truncation.

Labcorp Genetics (formerly Invitae), Labcorp
Classification: Pathogenic for Familial adenomatous polyposis 1. Last evaluated: 2021-07-25. Review status: criteria provided, single submitter. Criteria: Invitae Variant Classification Sherloc (09022015). Collection method: clinical testing. Allele origin: germline.
Comment: This variant is expected to disrupt the EB1 and HDLG binding sites, which mediate interactions with the cytoskeleton (PMID: 15311282, 17293347). While functional studies have not been performed to directly test the effect on APC protein function, this suggests that disruption of the C-terminal portion of the protein is functionally important. For these reasons, this variant has been classified as Pathogenic. A different truncation (p.Tyr2645Lysfs*14) that lies downstream of this variant has been determined to be pathogenic (PMID: 9824584, 1316610, 27081525, 8381579, 22135120, Invitae). This suggests that deletion of this region of the APC protein is causative of disease. This variant has not been reported in the literature in individuals affected with APC-related conditions. This variant is not present in population databases (ExAC no frequency). This sequence change creates a premature translational stop signal (p.Gly1677*) in the APC gene. While this is not anticipated to result in nonsense mediated decay, it is expected to disrupt the last 1167 amino acid(s) of the APC protein.

Literature cited by the submitters: PubMed 15311282 (cited by Labcorp Genetics (formerly Invitae), Labcorp); PubMed 17293347 (cited by Labcorp Genetics (formerly Invitae), Labcorp); PubMed 9824584 (cited by Labcorp Genetics (formerly Invitae), Labcorp); PubMed 1316610 (cited by Labcorp Genetics (formerly Invitae), Labcorp); PubMed 27081525 (cited by Labcorp Genetics (formerly Invitae), Labcorp); PubMed 8381579 (cited by Labcorp Genetics (formerly Invitae), Labcorp); PubMed 22135120 (cited by Labcorp Genetics (formerly Invitae), Labcorp).

NM_000038.6(APC):c.5029G>T (p.Gly1677Ter)

Gene: APC (APC regulator of Wnt signaling pathway; plus strand). Cytogenetic location: 5q22.2.
Variant type: single nucleotide variant.
Coding change: c.5029G>T on transcript NM_000038.6 (MANE Select); coding-DNA position 5029, G replaced by T.
Protein change: p.Gly1677Ter; replaces glycine 1677 with a stop codon.
Molecular consequence: nonsense.
Genome position (GRCh38, 1-based): chr5:112,840,623, G>T. VCF-style: chr5-112840623-G-T. GRCh37 (hg19) VCF-style: chr5-112176320-G-T.
Other names: c.5029G>T, p.Gly1677Ter (NM_001127510.3, NM_001354895.2); c.4975G>T, p.Gly1659Ter (NM_001127511.3); c.5083G>T, p.Gly1695Ter (NM_001354896.2); c.5059G>T, p.Gly1687Ter (NM_001354897.2); c.4954G>T, p.Gly1652Ter (NM_001354898.2); c.4945G>T, p.Gly1649Ter (NM_001354899.2); c.4906G>T, p.Gly1636Ter (NM_001354900.2); c.4852G>T, p.Gly1618Ter (NM_001354901.2); and 5 more; short protein forms G1551*, G1618*, G1677*, G1695*, G1517*, G1576*, G1636*, G1649*.
Identifiers: ClinVar variation 1390510 (VCV001390510.7), dbSNP rs2149930219, ClinGen allele CA16032333.